The following is an entry in ClinVar:

ClinVar aggregate classification (germline): Uncertain significance. Review status: criteria provided, multiple submitters, no conflicts (2 of 4 stars). 3 submissions from 3 submitters: Uncertain significance (2). 1 of the submissions does not count toward it. Last evaluated 2023-12-27.

Conditions:
Retinal dystrophy. Also called: Inherited retinal dystrophy. Identifiers: Orphanet 71862, MedGen C0854723, MeSH D058499, MONDO:0019118, HP:0000556.

Submissions (3):

Labcorp Genetics (formerly Invitae), Labcorp
Classification: Uncertain significance. Last evaluated: 2023-12-27. Review status: criteria provided, single submitter. Criteria: Invitae Variant Classification Sherloc (09022015). Collection method: clinical testing. Allele origin: germline.
Comment: This sequence change replaces aspartic acid, which is acidic and polar, with histidine, which is basic and polar, at codon 189 of the GNAT1 protein (p.Asp189His). This variant is not present in population databases (gnomAD no frequency). This variant has not been reported in the literature in individuals affected with GNAT1-related conditions. Advanced modeling of protein sequence and biophysical properties (such as structural, functional, and spatial information, amino acid conservation, physicochemical variation, residue mobility, and thermodynamic stability) performed at Invitae indicates that this missense variant is not expected to disrupt GNAT1 protein function with a negative predictive value of 80%. In summary, the available evidence is currently insufficient to determine the role of this variant in disease. Therefore, it has been classified as a Variant of Uncertain Significance.

Blueprint Genetics
Classification: Uncertain significance. Last evaluated: 2019-09-12. Review status: criteria provided, single submitter. Criteria: ACMG Guidelines, 2015. Collection method: clinical testing. Allele origin: germline.

Institute of Human Genetics, Univ. Regensburg, Univ. Regensburg
Classification: Uncertain significance for Retinal dystrophy. Last evaluated: 2019-01-01. Review status: no assertion criteria provided. Criteria: ACMG Guidelines, 2015. Collection method: clinical testing. Allele origin: germline. Affected: yes. Not counted in ClinVar's aggregate classification.

NM_144499.3(GNAT1):c.565G>C (p.Asp189His)

Gene: GNAT1 (G protein subunit alpha transducin 1; plus strand). Cytogenetic location: 3p21.31.
Variant type: single nucleotide variant.
Coding change: c.565G>C on transcript NM_144499.3 (MANE Select); coding-DNA position 565, G replaced by C.
Protein change: p.Asp189His; replaces aspartic acid 189 with histidine.
Molecular consequence: missense variant.
Genome position (GRCh38, 1-based): chr3:50,193,868, G>C. VCF-style: chr3-50193868-G-C. GRCh37 (hg19) VCF-style: chr3-50231301-G-C.
Other names: c.565G>C, p.Asp189His (NM_000172.4); short protein forms D189H.
Identifiers: ClinVar variation 2705800 (VCV002705800.5), dbSNP rs1272845943, ClinGen allele CA352916693.